The following is an entry in ClinVar:

ClinVar aggregate classification (germline): Uncertain significance. Review status: criteria provided, multiple submitters, no conflicts (2 of 4 stars). 2 submissions from 2 submitters: Uncertain significance (2). Last evaluated 2024-12-25.

Conditions:
Inborn genetic diseases. Identifiers: MedGen C0950123, MeSH D030342.
Cortical dysplasia-focal epilepsy syndrome (PTHSL1). Also called: Pitt-Hopkins-like syndrome 1. Identifiers: Orphanet 163681, Orphanet 221150, MedGen C2750246, MONDO:0012400, OMIM 610042.

Allele frequency attached by ClinVar (database versions not stated): gnomAD exomes below 0.00001 and 0.00002; ExAC 0.00001; gnomAD 0.00007 and 0.00008; TOPMed 0.00007; ESP Exome Variant Server 0.00008.
gnomAD v4.1: 12 of 1,614,032 alleles (0.00074%); highest among the groups gnomAD compares: African/African-American, 0.015%; no homozygotes.

Submissions (2):

Ambry Genetics
Classification: Uncertain significance for Inborn genetic diseases. Last evaluated: 2024-12-25. Review status: criteria provided, single submitter. Criteria: Ambry Variant Classification Scheme 2023. Collection method: clinical testing. Allele origin: germline.

Labcorp Genetics (formerly Invitae), Labcorp
Classification: Uncertain significance for Cortical dysplasia-focal epilepsy syndrome. Last evaluated: 2023-12-18. Review status: criteria provided, single submitter. Criteria: Invitae Variant Classification Sherloc (09022015). Collection method: clinical testing. Allele origin: germline.
Comment: This sequence change replaces isoleucine, which is neutral and non-polar, with valine, which is neutral and non-polar, at codon 1051 of the CNTNAP2 protein (p.Ile1051Val). This variant is present in population databases (rs373566502, gnomAD 0.02%). This variant has not been reported in the literature in individuals affected with CNTNAP2-related conditions. ClinVar contains an entry for this variant (Variation ID: 468426). An algorithm developed to predict the effect of missense changes on protein structure and function (PolyPhen-2) suggests that this variant¬†is likely to be tolerated. In summary, the available evidence is currently insufficient to determine the role of this variant in disease. Therefore, it has been classified as a Variant of Uncertain Significance.

NM_014141.6(CNTNAP2):c.3151A>G (p.Ile1051Val)

Gene: CNTNAP2 (contactin associated protein 2; plus strand). Cytogenetic location: 7q36.1.
Variant type: single nucleotide variant.
Coding change: c.3151A>G on transcript NM_014141.6 (MANE Select); coding-DNA position 3151, A replaced by G.
Protein change: p.Ile1051Val; replaces isoleucine 1051 with valine.
Molecular consequence: missense variant.
Genome position (GRCh38, 1-based): chr7:148,217,428, A>G. VCF-style: chr7-148217428-A-G. GRCh37 (hg19) VCF-style: chr7-147914520-A-G.
Other names: short protein forms I1051V.
Identifiers: ClinVar variation 468426 (VCV000468426.9), dbSNP rs373566502, ClinGen allele CA4546565.
Genomic context (GRCh38, chr7:148,217,428, plus strand): 5'-AGCAGAGTAGACAACGCTCCCGACCAGCAGAACTCCCACCCGGACCTGGCACAGGAGGAG[A>G]TCCGCTTCAGCTTCAGCACCACCAAGGCGCCCTGCATTCTCCTCTACATCAGCTCCTTCA-3'
Protein context (NP_054860.1, residues 1041-1061): NSHPDLAQEE[Ile1051Val]RFSFSTTKAP